The following is an entry in ClinVar:

NM_032119.4(ADGRV1):c.4492C>T (p.Leu1498Phe)

Gene: ADGRV1 (adhesion G protein-coupled receptor V1; plus strand). Cytogenetic location: 5q14.3.
Variant type: single nucleotide variant.
Coding change: c.4492C>T on transcript NM_032119.4 (MANE Select); coding-DNA position 4492, C replaced by T.
Protein change: p.Leu1498Phe; replaces leucine 1498 with phenylalanine.
Molecular consequence: missense variant. On other transcripts: non-coding transcript variant (1).
Genome position (GRCh38, 1-based): chr5:90,658,018, C>T. VCF-style: chr5-90658018-C-T. GRCh37 (hg19) VCF-style: chr5-89953835-C-T.
Other names: short protein forms L1498F.
Identifiers: ClinVar variation 1994402 (VCV001994402.4), dbSNP rs2532128886, ClinGen allele CA360403796.

ClinVar aggregate classification (germline): Uncertain significance (1 of 4 stars; one submission).

Allele frequency attached by ClinVar (database versions not stated): gnomAD exomes below 0.00001.
gnomAD v4.1: 3 of 1,613,958 alleles (0.00019%); highest among the groups gnomAD compares: Non-Finnish European, 0.00025%; no homozygotes.

Submission:

Labcorp Genetics (formerly Invitae), Labcorp
Classification: Uncertain significance. Last evaluated: 2022-05-14. Review status: criteria provided, single submitter. Criteria: Invitae Variant Classification Sherloc (09022015). Collection method: clinical testing. Allele origin: germline.
Comment: This variant has not been reported in the literature in individuals affected with ADGRV1-related conditions. Algorithms developed to predict the effect of missense changes on protein structure and function are either unavailable or do not agree on the potential impact of this missense change (SIFT: "Deleterious"; PolyPhen-2: "Possibly Damaging"; Align-GVGD: "Class C0"). In summary, the available evidence is currently insufficient to determine the role of this variant in disease. Therefore, it has been classified as a Variant of Uncertain Significance. This variant is not present in population databases (gnomAD no frequency). This sequence change replaces leucine, which is neutral and non-polar, with phenylalanine, which is neutral and non-polar, at codon 1498 of the ADGRV1 protein (p.Leu1498Phe).